The following is an entry in ClinVar:

ClinVar aggregate classification (germline): Uncertain significance (1 of 4 stars; one submission).

Conditions:
Anophthalmia/microphthalmia-esophageal atresia syndrome (MCOPS3). Also called: AEG SYNDROME; SOX2 Disorder; MICROPHTHALMIA AND ESOPHAGEAL ATRESIA SYNDROME. Identifiers: Orphanet 77298, MedGen C1859773, MONDO:0008799, OMIM 206900.

Submission:

Labcorp Genetics (formerly Invitae), Labcorp
Classification: Uncertain significance for Anophthalmia/microphthalmia-esophageal atresia syndrome. Last evaluated: 2025-12-18. Review status: criteria provided, single submitter. Criteria: Invitae Variant Classification Sherloc (09022015). Collection method: clinical testing. Allele origin: germline.
Comment: This sequence change replaces proline, which is neutral and non-polar, with serine, which is neutral and polar, at codon 264 of the SOX2 protein (p.Pro264Ser). This variant is not present in population databases (gnomAD no frequency). This variant has not been reported in the literature in individuals affected with SOX2-related conditions. Invitae Evidence Modeling of protein sequence and biophysical properties (such as structural, functional, and spatial information, amino acid conservation, physicochemical variation, residue mobility, and thermodynamic stability) indicates that this missense variant is not expected to disrupt SOX2 protein function with a negative predictive value of 95%. In summary, the available evidence is currently insufficient to determine the role of this variant in disease. Therefore, it has been classified as a Variant of Uncertain Significance.

NM_003106.4(SOX2):c.790C>T (p.Pro264Ser)

Genes: SOX2 (SRY-box transcription factor 2; plus strand), SOX2-OT (SOX2 overlapping transcript; plus strand). Cytogenetic location: 3q26.33.
Variant type: single nucleotide variant.
Coding change: c.790C>T on transcript NM_003106.4 (MANE Select); coding-DNA position 790, C replaced by T.
Protein change: p.Pro264Ser; replaces proline 264 with serine.
Molecular consequence: missense variant.
Genome position (GRCh38, 1-based): chr3:181,713,150, C>T. VCF-style: chr3-181713150-C-T. GRCh37 (hg19) VCF-style: chr3-181430938-C-T.
Other names: short protein forms P264S.
Identifiers: ClinVar variation 4743160 (VCV004743160.1).